The following is an entry in ClinVar:

NM_001267550.2(TTN):c.57720A>G (p.Arg19240=)

Genes: TTN (titin; minus strand), TTN-AS1 (TTN antisense RNA 1; plus strand). Cytogenetic location: 2q31.2.
Variant type: single nucleotide variant.
Coding change: c.57720A>G on transcript NM_001267550.2 (MANE Select); coding-DNA position 57720, A replaced by G.
Protein change: p.Arg19240=; no amino-acid change (arginine 19240 retained).
Molecular consequence: synonymous variant.
Genome position (GRCh38, 1-based): chr2:178,595,634, T>C on the plus strand (A>G on the coding strand, the complement: TTN is on the minus strand). VCF-style: chr2-178595634-T-C. GRCh37 (hg19) VCF-style: chr2-179460361-T-C.
Other names: c.52797A>G, p.Arg17599= (NM_001256850.1); c.30525A>G, p.Arg10175= (NM_003319.4); c.50016A>G, p.Arg16672= (NM_133378.4); c.30900A>G, p.Arg10300= (NM_133432.3); c.31101A>G, p.Arg10367= (NM_133437.4).
Identifiers: ClinVar variation 2451935 (VCV002451935.6), dbSNP rs574980683, ClinGen allele CA1993000.

ClinVar aggregate classification (germline): Likely benign. Review status: criteria provided, multiple submitters, no conflicts (2 of 4 stars). 2 submissions from 2 submitters: Likely benign (2). Last evaluated 2026-01-01.

Conditions:
Cardiovascular phenotype. Identifiers: MedGen CN230736.

Allele frequency attached by ClinVar (database versions not stated): gnomAD 0.00001; gnomAD exomes 0.00001; ExAC 0.00007; 1000 Genomes Project 30x 0.00031; 1000 Genomes Project 0.00040.
gnomAD v4.1: 21 of 1,604,950 alleles (0.0013%); highest among the groups gnomAD compares: South Asian, 0.021%; no homozygotes.

Submissions (2):

CeGaT Center for Human Genetics Tuebingen
Classification: Likely benign. Last evaluated: 2026-01-01. Review status: criteria provided, single submitter. Criteria: CeGaT Center For Human Genetics Tuebingen Variant Classification Criteria Version 2. Collection method: clinical testing. Allele origin: germline. Affected: yes. Observed: 1 variant allele.
Comment: TTN: BP4, BP7

Ambry Genetics
Classification: Likely benign for Cardiovascular phenotype. Last evaluated: 2023-02-16. Review status: criteria provided, single submitter. Criteria: Ambry Variant Classification Scheme 2023. Collection method: clinical testing. Allele origin: germline.